The following is an entry in ClinVar:

NM_001127222.2(CACNA1A):c.6670G>A (p.Asp2224Asn)

Gene: CACNA1A (calcium voltage-gated channel subunit alpha1 A; minus strand). Cytogenetic location: 19p13.13.
Variant type: single nucleotide variant.
Coding change: c.6670G>A on transcript NM_001127222.2 (MANE Select); coding-DNA position 6670, G replaced by A.
Protein change: p.Asp2224Asn; replaces aspartic acid 2224 with asparagine.
Molecular consequence: missense variant.
Genome position (GRCh38, 1-based): chr19:13,208,866, C>T on the plus strand (G>A on the coding strand, the complement: CACNA1A is on the minus strand). VCF-style: chr19-13208866-C-T. GRCh37 (hg19) VCF-style: chr19-13319680-C-T.
Other names: c.6688G>A, p.Asp2230Asn (NM_000068.4, NM_023035.3); c.6673G>A, p.Asp2225Asn (NM_001127221.2); c.6679G>A, p.Asp2227Asn (NM_001174080.2); short protein forms D2225N, D2227N, D2230N, D2224N.
Identifiers: ClinVar variation 2175233 (VCV002175233.4), dbSNP rs781749947, ClinGen allele CA9239292.
Genomic context (GRCh38, chr19:13,208,866, plus strand): 5'-GCTGGTCCCGAGCCCGTGCCCGGCCGTGGTCCGGCCGTTCCTGGGCATAGCGGTCCTTGT[C>T]GGGGGGCGGGGGATGGTGGTGGTGGTGGTGGTGGTGGTGGTGCTGTCGATGCTTCCGATC-3'
Protein context (NP_001120694.1, residues 2214-2234): HHHHHHPPPP[Asp2224Asn]KDRYAQERPD

ClinVar aggregate classification (germline): Uncertain significance (1 of 4 stars; one submission).

Conditions:
Episodic ataxia type 2 (EA2). Also called: ACETAZOLAMIDE-RESPONSIVE HEREDITARY PAROXYSMAL CEREBELLAR ATAXIA; ATAXIA, EPISODIC, WITH NYSTAGMUS; ATAXIA, FAMILIAL PAROXYSMAL; CEREBELLAR ATAXIA, PAROXYSMAL, ACETAZOLAMIDE-RESPONSIVE; CEREBELLOPATHY, HEREDITARY PAROXYSMAL; EPISODIC ATAXIA, NYSTAGMUS-ASSOCIATED. Identifiers: Orphanet 97, MedGen C1720416, MONDO:0007163, OMIM 108500.
Developmental and epileptic encephalopathy, 42 (DEE42A). Also called: DEVELOPMENTAL AND EPILEPTIC ENCEPHALOPATHY 42A; Epileptic encephalopathy, early infantile, 42; EPILEPTIC ENCEPHALOPATHY, EARLY INFANTILE, 42A. Identifiers: MedGen C4310716, MONDO:0014917, OMIM 617106.

Allele frequency attached by ClinVar (database versions not stated): gnomAD exomes 0.00001; gnomAD 0.00003; ExAC 0.00008.
gnomAD v4.1: 9 of 998,056 alleles (0.0009%); highest among the groups gnomAD compares: African/African-American, 0.007%; no homozygotes.

Submission:

Labcorp Genetics (formerly Invitae), Labcorp
Classification: Uncertain significance for Developmental and epileptic encephalopathy, 42; Episodic ataxia type 2. Last evaluated: 2025-06-25. Review status: criteria provided, single submitter. Criteria: Invitae Variant Classification Sherloc (09022015). Collection method: clinical testing. Allele origin: germline.
Comment: This sequence change replaces aspartic acid, which is acidic and polar, with asparagine, which is neutral and polar, at codon 2225 of the CACNA1A protein (p.Asp2225Asn). The frequency data for this variant in the population databases is considered unreliable, as metrics indicate poor data quality at this position in the gnomAD database. This missense change has been observed in individual(s) with clinical features of familial hemiplegic migraine (internal data). ClinVar contains an entry for this variant (Variation ID: 2175233). Invitae Evidence Modeling of protein sequence and biophysical properties (such as structural, functional, and spatial information, amino acid conservation, physicochemical variation, residue mobility, and thermodynamic stability) indicates that this missense variant is not expected to disrupt CACNA1A protein function with a negative predictive value of 95%. In summary, the available evidence is currently insufficient to determine the role of this variant in disease. Therefore, it has been classified as a Variant of Uncertain Significance.